The following is an entry in ClinVar:

ClinVar aggregate classification (germline): Likely benign (1 of 4 stars; one submission).

Allele frequency attached by ClinVar (database versions not stated): 1000 Genomes Project 0.00040; 1000 Genomes Project 30x 0.00047; TOPMed 0.00109; gnomAD 0.00112; ESP Exome Variant Server 0.00148; ExAC 0.00172; gnomAD exomes 0.00183.

Submission:

CeGaT Center for Human Genetics Tuebingen
Classification: Likely benign. Last evaluated: 2023-03-01. Review status: criteria provided, single submitter. Criteria: CeGaT Center For Human Genetics Tuebingen Variant Classification Criteria Version 2. Collection method: clinical testing. Allele origin: germline. Affected: yes. Observed: 3 variant alleles.
Comment: MUC2: BP4, BP7

NM_002457.5(MUC2):c.2412C>T (p.Asp804=)

Gene: MUC2 (mucin 2, oligomeric mucus/gel-forming; plus strand). Cytogenetic location: 11p15.5.
Variant type: single nucleotide variant.
Coding change: c.2412C>T on transcript NM_002457.5 (MANE Select); coding-DNA position 2412, C replaced by T.
Protein change: p.Asp804=; no amino-acid change (aspartic acid 804 retained).
Molecular consequence: synonymous variant.
Genome position (GRCh38, 1-based): chr11:1,086,284, C>T. VCF-style: chr11-1086284-C-T. GRCh37 (hg19) VCF-style: chr11-1084280-C-T.
Identifiers: ClinVar variation 2641124 (VCV002641124.24), dbSNP rs61732127, ClinGen allele CA5798994.
Genomic context (GRCh38, chr11:1,086,284, plus strand): 5'-CCCACTCTCTGGCTGTCCCCAGTACCACACAGAGTGTGTCAGTGGCTGTGTGTGCCCCGA[C>T]GGGCTGATGGATGACGGCCGGGGTGGCTGCGTGGTGGAGAAGGAATGCCCTTGCGTCCAT-3'
Protein context (NP_002448.5, residues 794-814): TECVSGCVCP[Asp804=]GLMDDGRGGC